The following is an entry in ClinVar:

NM_182914.3(SYNE2):c.19639A>G (p.Ile6547Val)

Gene: SYNE2 (spectrin repeat containing nuclear envelope protein 2; plus strand). Cytogenetic location: 14q23.2.
Variant type: single nucleotide variant.
Coding change: c.19639A>G on transcript NM_182914.3 (MANE Select); coding-DNA position 19639, A replaced by G.
Protein change: p.Ile6547Val; replaces isoleucine 6547 with valine.
Molecular consequence: missense variant.
Genome position (GRCh38, 1-based): chr14:64,218,494, A>G. VCF-style: chr14-64218494-A-G. GRCh37 (hg19) VCF-style: chr14-64685212-A-G.
Other names: c.19570A>G, p.Ile6524Val (NM_015180.6); c.163A>G, p.Ile55Val (NM_182910.2); c.541A>G, p.Ile181Val (NM_182913.4); short protein forms I6547V, I181V, I6524V, I55V.
Identifiers: ClinVar variation 313653 (VCV000313653.19), dbSNP rs45453691, ClinGen allele CA7224526.

ClinVar aggregate classification (germline): Benign. Review status: criteria provided, multiple submitters, no conflicts (2 of 4 stars). 6 submissions from 6 submitters: Benign (4). 2 of the submissions do not count toward it. Last evaluated 2026-02-02.

Conditions:
Emery-Dreifuss muscular dystrophy 5, autosomal dominant (EDMD5). Also called: EMERY-DREIFUSS MUSCULAR DYSTROPHY 5. Identifiers: Orphanet 261, MedGen C2751805, MONDO:0013072, OMIM 612999.

Allele frequency attached by ClinVar (database versions not stated): 1000 Genomes Project 0.00599; 1000 Genomes Project 30x 0.00609; gnomAD 0.00993 and 0.01034; TOPMed 0.01067; ESP Exome Variant Server 0.01099; gnomAD exomes 0.01355 and 0.01404; ExAC 0.01367.
gnomAD v4.1: 22,167 of 1,613,956 alleles (1.4%); highest among the groups gnomAD compares: South Asian, 2.8%; 235 homozygotes.

Submissions (6):

Labcorp Genetics (formerly Invitae), Labcorp
Classification: Benign for Emery-Dreifuss muscular dystrophy 5, autosomal dominant. Last evaluated: 2026-02-02. Review status: criteria provided, single submitter. Criteria: Invitae Variant Classification Sherloc (09022015). Collection method: clinical testing. Allele origin: germline.

Athena Diagnostics
Classification: Benign. Last evaluated: 2024-06-03. Review status: criteria provided, single submitter. Criteria: Athena Diagnostics Criteria. Collection method: clinical testing. Allele origin: unknown.

Illumina Laboratory Services, Illumina
Classification: Benign for Emery-Dreifuss muscular dystrophy 5, autosomal dominant. Last evaluated: 2018-01-13. Review status: criteria provided, single submitter. Criteria: ICSL Variant Classification Criteria 13 December 2019. Collection method: clinical testing. Allele origin: germline.
Comment: This variant was observed in the ICSL laboratory as part of a predisposition screen in an ostensibly healthy population. It had not been previously curated by ICSL or reported in the Human Gene Mutation Database (HGMD: prior to June 1st, 2018), and was therefore a candidate for classification through an automated scoring system. Utilizing variant allele frequency, disease prevalence and penetrance estimates, and inheritance mode, an automated score was calculated to assess if this variant is too frequent to cause the disease. Based on the score and internal cut-off values, a variant classified as benign is not then subjected to further curation. The score for this variant resulted in a classification of benign for this disease.

Breakthrough Genomics
Classification: Benign. Review status: criteria provided, single submitter. Criteria: ACMG Guidelines, 2015. Collection method: not provided. Allele origin: germline. Inheritance: Autosomal dominant inheritance. Affected: yes.

Genome Diagnostics Laboratory, University Medical Center Utrecht
Classification: Benign. Review status: no assertion criteria provided. Collection method: clinical testing. Allele origin: germline. Affected: yes. Study: VKGL Data-share Consensus. Not counted in ClinVar's aggregate classification.

Laboratory of Diagnostic Genome Analysis, Leiden University Medical Center (LUMC)
Classification: Likely benign. Review status: no assertion criteria provided. Collection method: clinical testing. Allele origin: germline. Affected: yes. Study: VKGL Data-share Consensus. Not counted in ClinVar's aggregate classification.